The following is an entry in ClinVar:

ClinVar aggregate classification (germline): Uncertain significance (1 of 4 stars; one submission).

Submission:

GeneDx
Classification: Uncertain significance. Last evaluated: 2025-06-10. Review status: criteria provided, single submitter. Criteria: GeneDx Variant Classification Process June 2021. Collection method: clinical testing. Allele origin: germline. Affected: yes.
Comment: Not observed at significant frequency in large population cohorts (gnomAD); In silico analysis suggests that this missense variant does not alter protein structure/function; Has not been previously published as pathogenic or benign to our knowledge

NM_005883.3(APC2):c.3855G>C (p.Glu1285Asp)

Gene: APC2 (APC regulator of Wnt signaling pathway 2; plus strand). Cytogenetic location: 19p13.3.
Variant type: single nucleotide variant.
Coding change: c.3855G>C on transcript NM_005883.3 (MANE Select); coding-DNA position 3855, G replaced by C.
Protein change: p.Glu1285Asp; replaces glutamic acid 1285 with aspartic acid.
Molecular consequence: missense variant.
Genome position (GRCh38, 1-based): chr19:1,467,156, G>C. VCF-style: chr19-1467156-G-C. GRCh37 (hg19) VCF-style: chr19-1467155-G-C.
Other names: c.3852G>C, p.Glu1284Asp (NM_001351273.1); short protein forms E1284D, E1285D.
Identifiers: ClinVar variation 4538080 (VCV004538080.1).